The following is an entry in ClinVar:

NM_001349798.2(FBXW7):c.1738C>A (p.His580Asn)

Gene: FBXW7 (F-box and WD repeat domain containing 7; minus strand). Cytogenetic location: 4q31.3.
Variant type: single nucleotide variant.
Coding change: c.1738C>A on transcript NM_001349798.2 (MANE Select); coding-DNA position 1738, C replaced by A.
Protein change: p.His580Asn; replaces histidine 580 with asparagine.
Molecular consequence: missense variant.
Genome position (GRCh38, 1-based): chr4:152,324,301, G>T on the plus strand (C>A on the coding strand, the complement: FBXW7 is on the minus strand). VCF-style: chr4-152324301-G-T. GRCh37 (hg19) VCF-style: chr4-153245453-G-T.
Other names: c.1384C>A, p.His462Asn (NM_001013415.2); c.1498C>A, p.His500Asn (NM_018315.5); c.1738C>A, p.His580Asn (NM_033632.3); short protein forms H462N, H500N, H580N.
Identifiers: ClinVar variation 4530544 (VCV004530544.1).
Genomic context (GRCh38, chr4:152,324,301, plus strand): 5'-CTGCATTCCCAGAGACAAGAATATTGTCTTTGAGTTCCATTCCACTTGTTAACGACTGGT[G>T]CCCTGTTAACGTGTGAATGCAATTCCCTGTCTCCACATCCCAAACACGGATTGATGTATC-3'
Protein context (NP_001336727.1, residues 570-590): TGNCIHTLTG[His580Asn]QSLTSGMELK

ClinVar aggregate classification (somatic clinical impact): Tier II - Potential (1 of 4 stars; one submission).

Conditions:
Embryonal rhabdomyosarcoma (ERMS). Also called: Botryoid rhabdomyosarcoma (type of ERMS); Spindle cell rhabdomyosarcomas (type of ERMS). Identifiers: Orphanet 99757, MedGen C0206656, MONDO:0009993, HP:0006743.

Submission:

Institute for Genomic Medicine (IGM) Clinical Laboratory, Nationwide Children's Hospital
Classification: Tier II - Potential for Embryonal rhabdomyosarcoma. Assertion type: diagnostic. Clinical significance: supports diagnosis. Last evaluated: 2024-12-31. Review status: criteria provided, single submitter. Criteria: AMP/ASCO/CAP Guidelines, 2017. Collection method: clinical testing. Allele origin: somatic. Affected: yes.
Comment: Variant has Tier II (potential) clinical significance as a diagnostic inclusion criterion in embryonal rhabdomyosarcoma, based on the following evidence: 1) Documented in one or more cancer databases (e.g., St. Jude Pecan, COSMIC, CIViC, OncoKB). 2) Appears in one or more well-established professional guidelines (e.g., World Health Organization [WHO]; National Comprehensive Cancer Network [NCCN]) as providing diagnostic, prognostic, or therapeutic information. 3) Diagnostic significance based on multiple small studies (Evidence Level C).